The following is an entry in ClinVar:

NM_006904.7(PRKDC):c.2999A>T (p.Lys1000Ile)

Gene: PRKDC (protein kinase, DNA-activated, catalytic subunit; minus strand). Cytogenetic location: 8q11.21.
Variant type: single nucleotide variant.
Coding change: c.2999A>T on transcript NM_006904.7 (MANE Select); coding-DNA position 2999, A replaced by T.
Protein change: p.Lys1000Ile; replaces lysine 1000 with isoleucine.
Molecular consequence: missense variant.
Genome position (GRCh38, 1-based): chr8:47,904,912, T>A on the plus strand (A>T on the coding strand, the complement: PRKDC is on the minus strand). VCF-style: chr8-47904912-T-A. GRCh37 (hg19) VCF-style: chr8-48817472-T-A.
Other names: c.2999A>T, p.Lys1000Ile (NM_001081640.2); short protein forms K1000I.
Identifiers: ClinVar variation 1798599 (VCV001798599.2), dbSNP rs1279719112, ClinGen allele CA371157370.

ClinVar aggregate classification (germline): Uncertain significance (1 of 4 stars; one submission).

Submission:

Ambry Genetics
Classification: Uncertain significance. Last evaluated: 2021-09-22. Review status: criteria provided, single submitter. Criteria: Ambry Variant Classification Scheme 2023. Collection method: clinical testing. Allele origin: germline.
Comment: The p.K1000I variant (also known as c.2999A>T), located in coding exon 26 of the PRKDC gene, results from an A to T substitution at nucleotide position 2999. The lysine at codon 1000 is replaced by isoleucine, an amino acid with dissimilar properties. This amino acid position is conserved. In addition, the in silico prediction for this alteration is inconclusive. Since supporting evidence is limited at this time, the clinical significance of this alteration remains unclear.